The following is an entry in ClinVar:

ClinVar aggregate classification (germline): Uncertain significance (1 of 4 stars; one submission).

Allele frequency attached by ClinVar (database versions not stated): gnomAD exomes below 0.00001.
gnomAD v4.1: 1 of 1,613,076 alleles (0.000062%); highest among the groups gnomAD compares: Admixed American, 0.0017%; no homozygotes.

Submission:

Labcorp Genetics (formerly Invitae), Labcorp
Classification: Uncertain significance. Last evaluated: 2021-11-27. Review status: criteria provided, single submitter. Criteria: Invitae Variant Classification Sherloc (09022015). Collection method: clinical testing. Allele origin: germline.
Comment: In summary, the available evidence is currently insufficient to determine the role of this variant in disease. Therefore, it has been classified as a Variant of Uncertain Significance. Algorithms developed to predict the effect of missense changes on protein structure and function output the following: SIFT: "Tolerated"; PolyPhen-2: "Benign"; Align-GVGD: "Class C0". The serine amino acid residue is found in multiple mammalian species, which suggests that this missense change does not adversely affect protein function. This variant has not been reported in the literature in individuals affected with LRRC56-related conditions. This variant is not present in population databases (gnomAD no frequency). This sequence change replaces glycine, which is neutral and non-polar, with serine, which is neutral and polar, at codon 116 of the LRRC56 protein (p.Gly116Ser).

NM_198075.4(LRRC56):c.346G>A (p.Gly116Ser)

Gene: LRRC56 (leucine rich repeat containing 56; plus strand). Cytogenetic location: 11p15.5.
Variant type: single nucleotide variant.
Coding change: c.346G>A on transcript NM_198075.4 (MANE Select); coding-DNA position 346, G replaced by A.
Protein change: p.Gly116Ser; replaces glycine 116 with serine.
Molecular consequence: missense variant.
Genome position (GRCh38, 1-based): chr11:549,921, G>A. VCF-style: chr11-549921-G-A. GRCh37 (hg19) VCF-style: chr11-549921-G-A.
Other names: short protein forms G116S.
Identifiers: ClinVar variation 1470223 (VCV001470223.6), dbSNP rs2134058561, ClinGen allele CA378939273.